The following is an entry in ClinVar:

NM_000103.4(CYP19A1):c.*1888A>G

Genes: PIRC66 (piwi-interacting RNA cluster 66; plus strand), MIR4713HG (MIR4713 host gene; plus strand), CYP19A1 (cytochrome P450 family 19 subfamily A member 1; minus strand). Cytogenetic location: 15q21.2.
Variant type: single nucleotide variant.
Coding change: c.*1888A>G on transcript NM_000103.4 (MANE Select); 1888 bases downstream of the stop codon, A replaced by G.
Molecular consequence: 3 prime UTR variant.
Genome position (GRCh38, 1-based): chr15:51,208,920, T>C on the plus strand (A>G on the coding strand, the complement: CYP19A1 is on the minus strand). VCF-style: chr15-51208920-T-C. GRCh37 (hg19) VCF-style: chr15-51501117-T-C.
Other names: c.*1888A>G (NM_001347248.1, NM_001347249.2, NM_001347250.2 and 7 more transcripts).
Identifiers: ClinVar variation 316451 (VCV000316451.6), dbSNP rs4275794, ClinGen allele CA10636177.
Genomic context (GRCh38, chr15:51,208,920, plus strand): 5'-TAGACATAGACATTGGCTTCATATATACAGATAAAATACACATAAATGTCCCAAGAGTAT[T>C]GGATGGGTGAAGTACATGGATCCAAAGTTGGGCTTCTTCCACCATGCAGCTCCAGCCAGA-3'

ClinVar aggregate classification (germline): Benign. Review status: criteria provided, multiple submitters, no conflicts (2 of 4 stars). 2 submissions from 2 submitters: Benign (2). Last evaluated 2018-01-13.

Conditions:
Aromatase deficiency. Also called: Increased aromatase activity; PSEUDOHERMAPHRODITISM, FEMALE, DUE TO PLACENTAL AROMATASE DEFICIENCY. Identifiers: Orphanet 91, MedGen C1960539, MONDO:0013301, OMIM 613546.

Allele frequency attached by ClinVar (database versions not stated): 1000 Genomes Project 0.25859; gnomAD exomes 0.16667; TOPMed 0.23976; 1000 Genomes Project 30x 0.25796.
gnomAD v4.1: 36,745 of 152,068 alleles (24%); highest among the groups gnomAD compares: Middle Eastern, 35%; 4,749 homozygotes.

Submissions (2):

Illumina Laboratory Services, Illumina
Classification: Benign for Aromatase deficiency. Last evaluated: 2018-01-13. Review status: criteria provided, single submitter. Criteria: ICSL Variant Classification Criteria 13 December 2019. Collection method: clinical testing. Allele origin: germline.
Comment: This variant was observed in the ICSL laboratory as part of a predisposition screen in an ostensibly healthy population. It had not been previously curated by ICSL or reported in the Human Gene Mutation Database (HGMD: prior to June 1st, 2018), and was therefore a candidate for classification through an automated scoring system. Utilizing variant allele frequency, disease prevalence and penetrance estimates, and inheritance mode, an automated score was calculated to assess if this variant is too frequent to cause the disease. Based on the score and internal cut-off values, a variant classified as benign is not then subjected to further curation. The score for this variant resulted in a classification of benign for this disease.

Breakthrough Genomics
Classification: Benign. Review status: criteria provided, single submitter. Criteria: ACMG Guidelines, 2015. Collection method: not provided. Allele origin: germline. Inheritance: Unknown mechanism. Affected: yes.